The following is an entry in ClinVar:

NM_001271.4(CHD2):c.787A>G (p.Ile263Val)

Gene: CHD2 (chromodomain helicase DNA binding protein 2; plus strand). Cytogenetic location: 15q26.1.
Variant type: single nucleotide variant.
Coding change: c.787A>G on transcript NM_001271.4 (MANE Select); coding-DNA position 787, A replaced by G.
Protein change: p.Ile263Val; replaces isoleucine 263 with valine.
Molecular consequence: missense variant.
Genome position (GRCh38, 1-based): chr15:92,941,916, A>G. VCF-style: chr15-92941916-A-G. GRCh37 (hg19) VCF-style: chr15-93485146-A-G.
Other names: c.787A>G, p.Ile263Val (NM_001042572.3); short protein forms I263V.
Identifiers: ClinVar variation 2790923 (VCV002790923.3), dbSNP rs1596395371, ClinGen allele CA393900946.

ClinVar aggregate classification (germline): Uncertain significance (1 of 4 stars; one submission).

Conditions:
Developmental and epileptic encephalopathy 94 (DEE94). Also called: CHD2-Related Neurodevelopmental Disorders; Epileptic encephalopathy, childhood-onset. Identifiers: Orphanet 1942, Orphanet 2382, MedGen C3809278, MONDO:0014150, OMIM 615369.

Allele frequency attached by ClinVar (database versions not stated): gnomAD exomes below 0.00001; TOPMed below 0.00001.
gnomAD v4.1: 1 of 1,613,590 alleles (0.000062%); highest among the groups gnomAD compares: Non-Finnish European, 0.000085%; no homozygotes.

Submission:

Labcorp Genetics (formerly Invitae), Labcorp
Classification: Uncertain significance for Developmental and epileptic encephalopathy 94. Last evaluated: 2023-12-12. Review status: criteria provided, single submitter. Criteria: Invitae Variant Classification Sherloc (09022015). Collection method: clinical testing. Allele origin: germline.
Comment: This sequence change replaces isoleucine, which is neutral and non-polar, with valine, which is neutral and non-polar, at codon 263 of the CHD2 protein (p.Ile263Val). This variant is not present in population databases (gnomAD no frequency). This variant has not been reported in the literature in individuals affected with CHD2-related conditions. Advanced modeling of protein sequence and biophysical properties (such as structural, functional, and spatial information, amino acid conservation, physicochemical variation, residue mobility, and thermodynamic stability) performed at Invitae indicates that this missense variant is not expected to disrupt CHD2 protein function with a negative predictive value of 95%. In summary, the available evidence is currently insufficient to determine the role of this variant in disease. Therefore, it has been classified as a Variant of Uncertain Significance.